The following is an entry in ClinVar:

NM_024529.5(CDC73):c.1394_1398del (p.Ser465fs)

Gene: CDC73 (cell division cycle 73; plus strand). Cytogenetic location: 1q31.2.
Variant type: Deletion.
Coding change: c.1394_1398del on transcript NM_024529.5 (MANE Select); coding-DNA positions 1394 to 1398, 5 bases deleted (CACCA; older notation c.1394_1398delCACCA).
Protein change: p.Ser465fs; shifts the reading frame from serine 465.
Molecular consequence: frameshift variant.
Genome position (GRCh38, 1-based): chr1:193,236,333-193,236,337, CACCA deleted. VCF-style (leftmost placement, unchanged base first): chr1-193236332-TCACCA-T. GRCh37 (hg19) VCF-style: chr1-193205462-TCACCA-T.
Other names: short protein forms S465fs.
Identifiers: ClinVar variation 3227858 (VCV003227858.1), dbSNP rs2527500853, ClinGen allele CA2825000875.

ClinVar aggregate classification (germline): Pathogenic (1 of 4 stars; one submission).

Conditions:
Hereditary cancer-predisposing syndrome. Also called: Neoplastic Syndromes, Hereditary; Tumor predisposition; Hereditary neoplastic syndrome; Hereditary Cancer Syndrome. Identifiers: Orphanet 140162, MedGen C0027672, MeSH D009386, MONDO:0015356.

Submission:

Ambry Genetics
Classification: Pathogenic for Hereditary cancer-predisposing syndrome. Last evaluated: 2024-01-12. Review status: criteria provided, single submitter. Criteria: Ambry Variant Classification Scheme 2023. Collection method: clinical testing. Allele origin: germline.
Comment: The c.1394_1398delCACCA pathogenic mutation, located in coding exon 15 of the CDC73 gene, results from a deletion of 5 nucleotides at nucleotide positions 1394 to 1398, causing a translational frameshift with a predicted alternate stop codon (p.S465Cfs*2). This variant is considered to be rare based on population cohorts in the Genome Aggregation Database (gnomAD). This alteration is expected to result in loss of function by premature protein truncation or nonsense-mediated mRNA decay. As such, this alteration is interpreted as a disease-causing mutation.